The following is an entry in ClinVar:

ClinVar aggregate classification (germline): Pathogenic (1 of 4 stars; one submission).

Conditions:
Hypercholesterolemia, familial, 4 (FHCL4). Also called: HYPERCHOLESTEROLEMIA, AUTOSOMAL RECESSIVE, 1; HYPERCHOLESTEROLEMIA, AUTOSOMAL RECESSIVE, 2. Identifiers: Orphanet 391665, MedGen C1863512, MONDO:0011374, OMIM 603813.

Submission:

Labcorp Genetics (formerly Invitae), Labcorp
Classification: Pathogenic for Hypercholesterolemia, familial, 4. Last evaluated: 2021-04-17. Review status: criteria provided, single submitter. Criteria: Invitae Variant Classification Sherloc (09022015). Collection method: clinical testing. Allele origin: germline.
Comment: This sequence change creates a premature translational stop signal (p.Ala7Glyfs*5) in the LDLRAP1 gene. It is expected to result in an absent or disrupted protein product. Loss-of-function variants in LDLRAP1 are known to be pathogenic (PMID: 11326085, 12464675). The frequency data for this variant in the population databases is considered unreliable, as metrics indicate insufficient coverage at this position in the ExAC database. For these reasons, this variant has been classified as Pathogenic. This variant has not been reported in the literature in individuals with LDLRAP1-related conditions.

Literature cited by the submitters: PubMed 11326085; PubMed 12464675.

NM_015627.3(LDLRAP1):c.20del (p.Ala7fs)

Genes: LDLRAP1 (low density lipoprotein receptor adaptor protein 1; plus strand), LOC129929773 (ATAC-STARR-seq lymphoblastoid silent region 456; plus strand). Cytogenetic location: 1p36.11.
Variant type: Deletion.
Coding change: c.20del on transcript NM_015627.3 (MANE Select); coding-DNA position 20, one base deleted (C; older notation c.20delC).
Protein change: p.Ala7fs; shifts the reading frame from alanine 7.
Molecular consequence: frameshift variant.
Genome position (GRCh38, 1-based): chr1:25,543,718, C deleted. VCF-style (leftmost placement, unchanged base first): chr1-25543717-GC-G. GRCh37 (hg19) VCF-style: chr1-25870208-GC-G.
Other names: short protein forms A7fs.
Identifiers: ClinVar variation 1456290 (VCV001456290.6), dbSNP rs2124633546, ClinGen allele CA2573132198.